The following is an entry in ClinVar:

ClinVar aggregate classification (germline): Uncertain significance (1 of 4 stars; one submission).

gnomAD v4.1: 1 of 1,613,650 alleles (0.000062%); highest among the groups gnomAD compares: Admixed American, 0.0017%; no homozygotes.

Submission:

GeneDx
Classification: Uncertain significance. Last evaluated: 2023-11-14. Review status: criteria provided, single submitter. Criteria: GeneDx Variant Classification Process June 2021. Collection method: clinical testing. Allele origin: germline. Affected: yes.
Comment: In silico analysis supports that this missense variant does not alter protein structure/function; Has not been previously published as pathogenic or benign to our knowledge

NM_001172509.2(SATB2):c.1346C>G (p.Ser449Cys)

Gene: SATB2 (SATB homeobox 2; minus strand). Cytogenetic location: 2q33.1.
Variant type: single nucleotide variant.
Coding change: c.1346C>G on transcript NM_001172509.2 (MANE Select); coding-DNA position 1346, C replaced by G.
Protein change: p.Ser449Cys; replaces serine 449 with cysteine.
Molecular consequence: missense variant.
Genome position (GRCh38, 1-based): chr2:199,328,738, G>C on the plus strand (C>G on the coding strand, the complement: SATB2 is on the minus strand). VCF-style: chr2-199328738-G-C. GRCh37 (hg19) VCF-style: chr2-200193461-G-C.
Other names: c.1346C>G, p.Ser449Cys (NM_001172517.1, NM_015265.4); short protein forms S449C.
Identifiers: ClinVar variation 3364207 (VCV003364207.1).
Genomic context (GRCh38, chr2:199,328,738, plus strand): 5'-ACGGAAAGCAAGTTTCTCACCTGAGGGGTTCGGGAGGAGCTGGGACTGCTGGAGGCCGAG[G>C]AGACCATGCTCACATTGGGATTCATGCTCCGCTCCCTCTCATCCTGGTAGATGCGATCTC-3'
Protein context (NP_001165980.1, residues 439-459): RSMNPNVSMV[Ser449Cys]SASSSPSSSR